The following is an entry in ClinVar:

ClinVar aggregate classification (germline): Uncertain significance (1 of 4 stars; one submission).

Allele frequency attached by ClinVar (database versions not stated): gnomAD 0.00001; TOPMed 0.00001.
gnomAD v4.1: 2 of 1,611,872 alleles (0.00012%); highest among the groups gnomAD compares: Non-Finnish European, 0.00017%; no homozygotes.

Submission:

Labcorp Genetics (formerly Invitae), Labcorp
Classification: Uncertain significance. Last evaluated: 2022-02-04. Review status: criteria provided, single submitter. Criteria: Invitae Variant Classification Sherloc (09022015). Collection method: clinical testing. Allele origin: germline.
Comment: In summary, the available evidence is currently insufficient to determine the role of this variant in disease. Therefore, it has been classified as a Variant of Uncertain Significance. Algorithms developed to predict the effect of missense changes on protein structure and function are either unavailable or do not agree on the potential impact of this missense change (SIFT: "Deleterious"; PolyPhen-2: "Probably Damaging"; Align-GVGD: "Class C0"). ClinVar contains an entry for this variant (Variation ID: 1011305). This variant has not been reported in the literature in individuals affected with RDH5-related conditions. This variant is present in population databases (no rsID available, gnomAD 0.0009%). This sequence change replaces valine, which is neutral and non-polar, with leucine, which is neutral and non-polar, at codon 109 of the RDH5 protein (p.Val109Leu).

NM_002905.5(RDH5):c.325G>C (p.Val109Leu)

Genes: BLOC1S1-RDH5 (BLOC1S1-RDH5 readthrough; plus strand), RDH5 (retinol dehydrogenase 5; plus strand). Cytogenetic location: 12q13.2.
Variant type: single nucleotide variant.
Coding change: c.325G>C on transcript NM_002905.5 (MANE Select); coding-DNA position 325, G replaced by C.
Protein change: p.Val109Leu; replaces valine 109 with leucine.
Molecular consequence: missense variant. On other transcripts: non-coding transcript variant (1).
Genome position (GRCh38, 1-based): chr12:55,721,703, G>C. VCF-style: chr12-55721703-G-C. GRCh37 (hg19) VCF-style: chr12-56115487-G-C.
Other names: c.325G>C, p.Val109Leu (NM_001199771.3); short protein forms V109L.
Identifiers: ClinVar variation 1011305 (VCV001011305.8), dbSNP rs754600338, ClinGen allele CA385200557.